The following is an entry in ClinVar:

NM_212482.4(FN1):c.4791C>T (p.Ser1597=)

Gene: FN1 (fibronectin 1; minus strand). Cytogenetic location: 2q35.
Variant type: single nucleotide variant.
Coding change: c.4791C>T on transcript NM_212482.4 (MANE Select); coding-DNA position 4791, C replaced by T.
Protein change: p.Ser1597=; no amino-acid change (serine 1597 retained).
Molecular consequence: synonymous variant.
Genome position (GRCh38, 1-based): chr2:215,384,123, G>A on the plus strand (C>T on the coding strand, the complement: FN1 is on the minus strand). VCF-style: chr2-215384123-G-A. GRCh37 (hg19) VCF-style: chr2-216248846-G-A.
Other names: c.4791C>T, p.Ser1597= (NM_001306129.2, NM_001306130.2, NM_001365517.2 and 3 more transcripts); c.4518C>T, p.Ser1506= (NM_001306131.2, NM_001306132.2, NM_001365518.2 and 7 more transcripts).
Identifiers: ClinVar variation 775185 (VCV000775185.17), dbSNP rs374970848, ClinGen allele CA2094324.

ClinVar aggregate classification (germline): Benign/Likely benign. Review status: criteria provided, multiple submitters, no conflicts (2 of 4 stars). 5 submissions from 5 submitters: Benign (2); Likely benign (3). Last evaluated 2026-03-01.

Conditions:
Glomerulopathy with fibronectin deposits 2 (GFND2). Identifiers: Orphanet 84090, MedGen C1866075, MONDO:0011165, OMIM 601894.
Spondylometaphyseal dysplasia - Sutcliffe type. Also called: Spondylometaphyseal dysplasia, 'corner fracture' type; Spondylometaphyseal Dysplasia, Corner Fracture Type; Sutcliffe type of spondylometaphyseal dysplasia; Sutcliffe SMD. Identifiers: Orphanet 93315, MedGen C0432221, MONDO:0008479, OMIM 184255.

Allele frequency attached by ClinVar (database versions not stated): ESP Exome Variant Server 0.00008; TOPMed 0.00017; gnomAD 0.00019 and 0.00020; gnomAD exomes 0.00019 and 0.00026; ExAC 0.00022.
gnomAD v4.1: 302 of 1,613,962 alleles (0.019%); highest among the groups gnomAD compares: Admixed American, 0.085%; 1 homozygote.

Submissions (5):

CeGaT Center for Human Genetics Tuebingen
Classification: Likely benign. Last evaluated: 2026-03-01. Review status: criteria provided, single submitter. Criteria: CeGaT Center For Human Genetics Tuebingen Variant Classification Criteria Version 2. Collection method: clinical testing. Allele origin: germline. Affected: yes. Observed: 1 variant allele.
Comment: FN1: BP4, BP7

Labcorp Genetics (formerly Invitae), Labcorp
Classification: Benign. Last evaluated: 2026-01-25. Review status: criteria provided, single submitter. Criteria: Invitae Variant Classification Sherloc (09022015). Collection method: clinical testing. Allele origin: germline.

Blueprint Genetics
Classification: Likely benign. Last evaluated: 2024-11-25. Review status: criteria provided, single submitter. Criteria: ACMG Guidelines, 2015. Collection method: clinical testing. Allele origin: germline.

Fulgent Genetics
Classification: Likely benign for Spondylometaphyseal dysplasia - Sutcliffe type; Glomerulopathy with fibronectin deposits 2. Last evaluated: 2021-12-07. Review status: criteria provided, single submitter. Criteria: ACMG Guidelines, 2015. Collection method: clinical testing. Allele origin: unknown.

Breakthrough Genomics
Classification: Benign. Review status: criteria provided, single submitter. Criteria: ACMG Guidelines, 2015. Collection method: not provided. Allele origin: germline. Inheritance: Autosomal dominant inheritance. Affected: yes.